The following is an entry in ClinVar:

ClinVar aggregate classification (germline): Likely benign. Review status: criteria provided, multiple submitters, no conflicts (2 of 4 stars). 2 submissions from 2 submitters: Likely benign (2). Last evaluated 2025-03-11.

Conditions:
RIPOR2-related disorder. Also called: RIPOR2-related condition.

Allele frequency attached by ClinVar (database versions not stated): gnomAD 0.00001; ExAC 0.00006.
gnomAD v4.1: 29 of 1,586,970 alleles (0.0018%); highest among the groups gnomAD compares: South Asian, 0.033%; no homozygotes.

Submissions (2):

PreventionGenetics, part of Exact Sciences
Classification: Likely benign for RIPOR2-related condition. Last evaluated: 2025-03-11. Review status: criteria provided, single submitter. Criteria: ACMG Guidelines, 2015. Collection method: clinical testing. Allele origin: germline.
Comment: This variant is classified as likely benign based on ACMG/AMP sequence variant interpretation guidelines (Richards et al. 2015 PMID: 25741868, with internal and published modifications).

Labcorp Genetics (formerly Invitae), Labcorp
Classification: Likely benign. Last evaluated: 2022-10-05. Review status: criteria provided, single submitter. Criteria: Invitae Variant Classification Sherloc (09022015). Collection method: clinical testing. Allele origin: germline.

NM_001286445.3(RIPOR2):c.480C>A (p.Arg160=)

Gene: RIPOR2 (RHO family interacting cell polarization regulator 2; minus strand). Cytogenetic location: 6p22.3.
Variant type: single nucleotide variant.
Coding change: c.480C>A on transcript NM_001286445.3 (MANE Select); coding-DNA position 480, C replaced by A.
Protein change: p.Arg160=; no amino-acid change (arginine 160 retained).
Molecular consequence: synonymous variant.
Genome position (GRCh38, 1-based): chr6:24,869,115, G>T on the plus strand (C>A on the coding strand, the complement: RIPOR2 is on the minus strand). VCF-style: chr6-24869115-G-T. GRCh37 (hg19) VCF-style: chr6-24869343-G-T.
Other names: c.393C>A (NM_014722.4); c.495C>A, p.Arg165= (NM_001286446.3); c.393C>A, p.Arg131= (NM_001286447.2, NM_001346031.2, NM_001346032.2 and 2 more transcripts).
Identifiers: ClinVar variation 1949392 (VCV001949392.6), dbSNP rs759005771, ClinGen allele CA3659516.
Genomic context (GRCh38, chr6:24,869,115, plus strand): 5'-AACTGAAAAACAGGCAATGAGAACAGGAATTTCAGTTACCTTACTTATATGAAACTCCAG[G>T]CGTCTCATGTATCTTTCAATTGTTTTAATTTGCTGGAATTAAAAGAAGTTTGAAAAAGTA-3'
Protein context (NP_001273374.1, residues 150-170): QIKTIERYMR[Arg160=]LEFHISKVDE